The following is an entry in ClinVar:

NM_032444.4(SLX4):c.4649G>A (p.Arg1550Gln)

Gene: SLX4 (SLX4 structure-specific endonuclease subunit; minus strand). Cytogenetic location: 16p13.3.
Variant type: single nucleotide variant.
Coding change: c.4649G>A on transcript NM_032444.4 (MANE Select); coding-DNA position 4649, G replaced by A.
Protein change: p.Arg1550Gln; replaces arginine 1550 with glutamine.
Molecular consequence: missense variant.
Genome position (GRCh38, 1-based): chr16:3,584,859, C>T on the plus strand (G>A on the coding strand, the complement: SLX4 is on the minus strand). VCF-style: chr16-3584859-C-T. GRCh37 (hg19) VCF-style: chr16-3634860-C-T.
Other names: short protein forms R1550Q.
Identifiers: ClinVar variation 860423 (VCV000860423.8), dbSNP rs369852048, ClinGen allele CA7865562.

ClinVar aggregate classification (germline): Uncertain significance. Review status: criteria provided, multiple submitters, no conflicts (2 of 4 stars). 2 submissions from 2 submitters: Uncertain significance (2). Last evaluated 2025-12-16.

Conditions:
Fanconi anemia complementation group P. Also called: SLX4-Related Fanconi Anemia. Identifiers: Orphanet 84, MedGen C3469542, MONDO:0013499, OMIM 613951.
Fanconi anemia (FA). Also called: Fanconi's anemia. Identifiers: Orphanet 84, MedGen C0015625, MeSH D005199, MONDO:0019391.

Allele frequency attached by ClinVar (database versions not stated): gnomAD 0.00014 and 0.00016; ExAC 0.00015; 1000 Genomes Project 30x 0.00016; 1000 Genomes Project 0.00020; gnomAD exomes 0.00002 and 0.00010; ESP Exome Variant Server 0.00008; TOPMed 0.00012.
gnomAD v4.1: 49 of 1,612,796 alleles (0.003%); highest among the groups gnomAD compares: East Asian, 0.049%; no homozygotes.

Submissions (2):

Labcorp Genetics (formerly Invitae), Labcorp
Classification: Uncertain significance for Fanconi anemia. Last evaluated: 2025-12-16. Review status: criteria provided, single submitter. Criteria: Invitae Variant Classification Sherloc (09022015). Collection method: clinical testing. Allele origin: germline.
Comment: This sequence change replaces arginine, which is basic and polar, with glutamine, which is neutral and polar, at codon 1550 of the SLX4 protein (p.Arg1550Gln). This variant is present in population databases (rs369852048, gnomAD 0.1%). This variant has not been reported in the literature in individuals affected with SLX4-related conditions. ClinVar contains an entry for this variant (Variation ID: 860423). An algorithm developed to predict the effect of missense changes on protein structure and function outputs the following: PolyPhen-2: "Benign". The glutamine amino acid residue is found in multiple mammalian species, which suggests that this missense change does not adversely affect protein function. In summary, the available evidence is currently insufficient to determine the role of this variant in disease. Therefore, it has been classified as a Variant of Uncertain Significance.

Fulgent Genetics
Classification: Uncertain significance for Fanconi anemia complementation group P. Last evaluated: 2022-05-14. Review status: criteria provided, single submitter. Criteria: ACMG Guidelines, 2015. Collection method: clinical testing. Allele origin: unknown.